The following is an entry in ClinVar:

ClinVar aggregate classification (germline): Conflicting classifications of pathogenicity. Review status: criteria provided, conflicting classifications (1 of 4 stars). 2 submissions from 2 submitters: Uncertain significance (1); Likely benign (1). Last evaluated 2025-04-16.

Conditions:
Hereditary breast ovarian cancer syndrome. Also called: Hereditary breast and ovarian cancer syndrome (HBOC); Hereditary breast and ovarian cancer syndrome; Breast and ovarian cancer; Hereditary breast and/or ovarian cancer syndrome; Hereditary breast and ovarian cancer; BRCA1- and BRCA2-Associated Hereditary Breast and Ovarian Cancer. Identifiers: Orphanet 145, MedGen C0677776, MeSH D061325, MONDO:0003582. Disease mechanism: loss of function.
Hereditary cancer-predisposing syndrome. Also called: Neoplastic Syndromes, Hereditary; Hereditary Cancer Syndrome; Hereditary neoplastic syndrome; Tumor predisposition. Identifiers: Orphanet 140162, MedGen C0027672, MeSH D009386, MONDO:0015356.

Submissions (2):

Ambry Genetics
Classification: Likely benign for Hereditary cancer-predisposing syndrome. Last evaluated: 2025-04-16. Review status: criteria provided, single submitter. Criteria: Ambry Variant Classification Scheme 2023. Collection method: clinical testing. Allele origin: germline.

Labcorp Genetics (formerly Invitae), Labcorp
Classification: Uncertain significance for Hereditary breast ovarian cancer syndrome. Last evaluated: 2017-07-14. Review status: criteria provided, single submitter. Criteria: Invitae Variant Classification Sherloc (09022015). Collection method: clinical testing. Allele origin: germline.
Comment: In summary, the available evidence is currently insufficient to determine the role of this variant in disease. Therefore, it has been classified as a Variant of Uncertain Significance. Algorithms developed to predict the effect of missense changes on protein structure and function (SIFT, PolyPhen-2, Align-GVGD) all suggest that this variant is likely to be disruptive, but these predictions have not been confirmed by published functional studies and their clinical significance is uncertain. This variant has not been reported in the literature in individuals with BRCA2-related disease. This variant is not present in population databases (ExAC no frequency). This sequence change replaces tyrosine with cysteine at codon 2658 of the BRCA2 protein (p.Tyr2658Cys). The tyrosine residue is highly conserved and there is a large physicochemical difference between tyrosine and cysteine.

NM_000059.4(BRCA2):c.7973A>G (p.Tyr2658Cys)

Gene: BRCA2 (BRCA2 DNA repair associated; plus strand). Cytogenetic location: 13q13.1.
Variant type: single nucleotide variant.
Coding change: c.7973A>G on transcript NM_000059.4 (MANE Select); coding-DNA position 7973, A replaced by G.
Protein change: p.Tyr2658Cys; replaces tyrosine 2658 with cysteine.
Molecular consequence: missense variant.
Genome position (GRCh38, 1-based): chr13:32,362,690, A>G. VCF-style: chr13-32362690-A-G. GRCh37 (hg19) VCF-style: chr13-32936827-A-G.
Other names: short protein forms Y2658C.
Identifiers: ClinVar variation 462461 (VCV000462461.10), dbSNP rs1555286875, ClinGen allele CA387747356.